The following is an entry in ClinVar:

NM_001042492.3(NF1):c.3937G>C (p.Asp1313His)

Gene: NF1 (neurofibromin 1; plus strand). Cytogenetic location: 17q11.2.
Variant type: single nucleotide variant.
Coding change: c.3937G>C on transcript NM_001042492.3 (MANE Select); coding-DNA position 3937, G replaced by C.
Protein change: p.Asp1313His; replaces aspartic acid 1313 with histidine.
Molecular consequence: missense variant.
Genome position (GRCh38, 1-based): chr17:31,235,984, G>C. VCF-style: chr17-31235984-G-C. GRCh37 (hg19) VCF-style: chr17-29563002-G-C.
Other names: c.3937G>C, p.Asp1313His (NM_000267.4); short protein forms D1313H.
Identifiers: ClinVar variation 2200725 (VCV002200725.4), dbSNP rs2151438636, ClinGen allele CA398993210.

ClinVar aggregate classification (germline): Uncertain significance. Review status: criteria provided, multiple submitters, no conflicts (2 of 4 stars). 4 submissions from 4 submitters: Uncertain significance (4). Last evaluated 2025-06-21.

Conditions:
Cardiovascular phenotype. Identifiers: MedGen CN230736.
Hereditary cancer-predisposing syndrome. Also called: Neoplastic Syndromes, Hereditary; Tumor predisposition; Hereditary neoplastic syndrome; Hereditary Cancer Syndrome. Identifiers: Orphanet 140162, MedGen C0027672, MeSH D009386, MONDO:0015356.
Neurofibromatosis, type 1 (NF1). Also called: Neurofibromatosis, type I; VON RECKLINGHAUSEN DISEASE; NEUROFIBROMATOSIS, TYPE I, SOMATIC; Peripheral type neurofibromatosis. Identifiers: Orphanet 636, MedGen C0027831, MONDO:0018975, OMIM 162200. Disease mechanism: loss of function.
Neurofibromatosis, familial spinal (FSNF). Identifiers: Orphanet 636, MedGen C1834235, MONDO:0008078, OMIM 162210. Disease mechanism: loss of function.
Juvenile myelomonocytic leukemia (JMML). Also called: LEUKEMIA, JUVENILE MYELOMONOCYTIC, SOMATIC. Identifiers: Orphanet 86834, MedGen C0349639, MONDO:0011908, OMIM 607785, HP:0012209.
Neurofibromatosis-Noonan syndrome (NFNS). Also called: NEUROFIBROMATOSIS WITH NOONAN PHENOTYPE. Identifiers: Orphanet 638, MedGen C2931482, MONDO:0011035, OMIM 601321. Disease mechanism: loss of function.
Café-au-lait macules with pulmonary stenosis (WTSN). Also called: PULMONIC STENOSIS WITH CAFE-AU-LAIT SPOTS. Identifiers: MedGen C0553586, MONDO:0008672, OMIM 193520.

Allele frequency attached by ClinVar (database versions not stated): gnomAD exomes below 0.00001.
gnomAD v4.1: 1 of 1,613,666 alleles (0.000062%); highest among the groups gnomAD compares: Non-Finnish European, 0.000085%; no homozygotes.

Submissions (4):

Ambry Genetics
Classification: Uncertain significance for Cardiovascular phenotype; Hereditary cancer-predisposing syndrome. Last evaluated: 2025-06-21. Review status: criteria provided, single submitter. Criteria: Ambry Variant Classification Scheme 2023. Collection method: clinical testing. Allele origin: germline.
Comment: The p.D1313H variant (also known as c.3937G>C), located in coding exon 29 of the NF1 gene, results from a G to C substitution at nucleotide position 3937. The aspartic acid at codon 1313 is replaced by histidine, an amino acid with similar properties. This amino acid position is conserved. In addition, the in silico prediction for this alteration is inconclusive. Based on the available evidence, the clinical significance of this variant remains unclear.

Women's Health and Genetics/Laboratory Corporation of America, LabCorp
Classification: Uncertain significance. Last evaluated: 2024-11-25. Review status: criteria provided, single submitter. Criteria: LabCorp Variant Classification Summary - May 2015. Collection method: clinical testing. Allele origin: germline.
Comment: Variant summary: NF1 c.3937G>C (p.Asp1313His) results in a non-conservative amino acid change located in the GTPase-activator protein for Ras-like GTPases domain (IPR001936) of the encoded protein sequence. Four of five in-silico tools predict a damaging effect of the variant on protein function. The variant was absent in 251400 control chromosomes. The available data on variant occurrences in the general population are insufficient to allow any conclusion about variant significance. To our knowledge, no occurrence of c.3937G>C in individuals affected with Neurofibromatosis Type 1 and no experimental evidence demonstrating its impact on protein function have been reported. ClinVar contains an entry for this variant (Variation ID: 2200725). Based on the evidence outlined above, the variant was classified as uncertain significance.

Fulgent Genetics
Classification: Uncertain significance for Neurofibromatosis, type 1; Neurofibromatosis, familial spinal; Café-au-lait macules with pulmonary stenosis; Neurofibromatosis-Noonan syndrome; Juvenile myelomonocytic leukemia. Last evaluated: 2024-06-09. Review status: criteria provided, single submitter. Criteria: ACMG Guidelines, 2015. Collection method: clinical testing. Allele origin: germline.

Labcorp Genetics (formerly Invitae), Labcorp
Classification: Uncertain significance for Neurofibromatosis, type 1. Last evaluated: 2022-06-30. Review status: criteria provided, single submitter. Criteria: Invitae Variant Classification Sherloc (09022015). Collection method: clinical testing. Allele origin: germline.
Comment: This sequence change replaces aspartic acid, which is acidic and polar, with histidine, which is basic and polar, at codon 1313 of the NF1 protein (p.Asp1313His). This variant is not present in population databases (gnomAD no frequency). This variant has not been reported in the literature in individuals affected with NF1-related conditions. Algorithms developed to predict the effect of missense changes on protein structure and function are either unavailable or do not agree on the potential impact of this missense change (SIFT: "Deleterious"; PolyPhen-2: "Benign"; Align-GVGD: "Class C0"). In summary, the available evidence is currently insufficient to determine the role of this variant in disease. Therefore, it has been classified as a Variant of Uncertain Significance.